The following is an entry in ClinVar:

ClinVar aggregate classification (germline): Uncertain significance. Review status: criteria provided, multiple submitters, no conflicts (2 of 4 stars). 3 submissions from 3 submitters: Uncertain significance (3). Last evaluated 2025-11-26.

Conditions:
Anemia, congenital dyserythropoietic, type 1a (CDAN1A). Also called: CDAN1-Related Congenital Dyserythropoietic Anemia; DYSERYTHROPOIETIC ANEMIA, CONGENITAL, TYPE Ia. Identifiers: MedGen C5574667, MONDO:0009135, OMIM 224120.
Inborn genetic diseases. Identifiers: MedGen C0950123, MeSH D030342.

Allele frequency attached by ClinVar (database versions not stated): gnomAD exomes 0.00002; gnomAD 0.00003; ExAC 0.00004; TOPMed 0.00008.
gnomAD v4.1: 66 of 1,613,784 alleles (0.0041%); highest among the groups gnomAD compares: East Asian, 0.013%; 1 homozygote.

Submissions (3):

Ambry Genetics
Classification: Uncertain significance for Inborn genetic diseases. Last evaluated: 2025-11-26. Review status: criteria provided, single submitter. Criteria: Ambry Variant Classification Scheme 2023. Collection method: clinical testing. Allele origin: germline.

ARUP Laboratories, Molecular Genetics and Genomics, ARUP Laboratories
Classification: Uncertain significance for Anemia, congenital dyserythropoietic, type 1a. Last evaluated: 2022-12-30. Review status: criteria provided, single submitter. Criteria: ARUP Molecular Germline Variant Investigation Process 2024. Collection method: clinical testing. Allele origin: germline.

Labcorp Genetics (formerly Invitae), Labcorp
Classification: Uncertain significance. Last evaluated: 2022-10-24. Review status: criteria provided, single submitter. Criteria: Invitae Variant Classification Sherloc (09022015). Collection method: clinical testing. Allele origin: germline.
Comment: This sequence change replaces proline, which is neutral and non-polar, with leucine, which is neutral and non-polar, at codon 1100 of the CDAN1 protein (p.Pro1100Leu). This variant is present in population databases (rs375521934, gnomAD 0.03%). This variant has not been reported in the literature in individuals affected with CDAN1-related conditions. Algorithms developed to predict the effect of missense changes on protein structure and function output the following: SIFT: "Tolerated"; PolyPhen-2: "Benign"; Align-GVGD: "Class C0". The leucine amino acid residue is found in multiple mammalian species, which suggests that this missense change does not adversely affect protein function. In summary, the available evidence is currently insufficient to determine the role of this variant in disease. Therefore, it has been classified as a Variant of Uncertain Significance.

NM_138477.4(CDAN1):c.3299C>T (p.Pro1100Leu)

Gene: CDAN1 (codanin 1; minus strand). Cytogenetic location: 15q15.2.
Variant type: single nucleotide variant.
Coding change: c.3299C>T on transcript NM_138477.4 (MANE Select); coding-DNA position 3299, C replaced by T.
Protein change: p.Pro1100Leu; replaces proline 1100 with leucine.
Molecular consequence: missense variant.
Genome position (GRCh38, 1-based): chr15:42,725,640, G>A on the plus strand (C>T on the coding strand, the complement: CDAN1 is on the minus strand). VCF-style: chr15-42725640-G-A. GRCh37 (hg19) VCF-style: chr15-43017838-G-A.
Other names: c.3299C>T (NM_138477.2); short protein forms P1100L.
Identifiers: ClinVar variation 2066634 (VCV002066634.5), dbSNP rs375521934, ClinGen allele CA7515183.